The following is an entry in ClinVar:

NM_000215.4(JAK3):c.183C>T (p.Ser61=)

Gene: JAK3 (Janus kinase 3; minus strand). Cytogenetic location: 19p13.11.
Variant type: single nucleotide variant.
Coding change: c.183C>T on transcript NM_000215.4 (MANE Select); coding-DNA position 183, C replaced by T.
Protein change: p.Ser61=; no amino-acid change (serine 61 retained).
Molecular consequence: synonymous variant.
Genome position (GRCh38, 1-based): chr19:17,844,235, G>A on the plus strand (C>T on the coding strand, the complement: JAK3 is on the minus strand). VCF-style: chr19-17844235-G-A. GRCh37 (hg19) VCF-style: chr19-17955044-G-A.
Identifiers: ClinVar variation 889117 (VCV000889117.12), dbSNP rs200269517, ClinGen allele CA9302255.
Genomic context (GRCh38, chr19:17,844,235, plus strand): 5'-TCTTGGCCCCACACAGCCCCATCCTTCCCTCTGGCCCGATCCACTAGGGATGCACTCACC[G>A]CTGGCCTTGGCAGCCTGCACGCACAGGTCCTCAGCCAAGTGGTCCCCAAAGGAGAAAGAT-3'
Protein context (NP_000206.2, residues 51-71): EDLCVQAAKA[Ser61=]GILPVYHSLF

ClinVar aggregate classification (germline): Conflicting classifications of pathogenicity. Review status: criteria provided, conflicting classifications (1 of 4 stars). 3 submissions from 3 submitters: Uncertain significance (2); Likely benign (1). Last evaluated 2025-01-27.

Conditions:
Inborn genetic diseases. Identifiers: MedGen C0950123, MeSH D030342.
T-B+ severe combined immunodeficiency due to JAK3 deficiency. Also called: SCID, T CELL-NEGATIVE, B CELL-POSITIVE, NK CELL-NEGATIVE; SCID, autosomal recessive, T-negative/B-positive type. Identifiers: Orphanet 35078, MedGen C1833275, MONDO:0010938, OMIM 600802.

Allele frequency attached by ClinVar (database versions not stated): ExAC 0.00009; TOPMed 0.00012; gnomAD 0.00014 and 0.00015; 1000 Genomes Project 30x 0.00031; 1000 Genomes Project 0.00040.

Submissions (3):

Ambry Genetics
Classification: Likely benign for Inborn genetic diseases. Last evaluated: 2025-01-27. Review status: criteria provided, single submitter. Criteria: Ambry Variant Classification Scheme 2023. Collection method: clinical testing. Allele origin: germline.

Labcorp Genetics (formerly Invitae), Labcorp
Classification: Uncertain significance for T-B+ severe combined immunodeficiency due to JAK3 deficiency. Last evaluated: 2025-01-13. Review status: criteria provided, single submitter. Criteria: Invitae Variant Classification Sherloc (09022015). Collection method: clinical testing. Allele origin: germline.
Comment: This sequence change affects codon 61 of the JAK3 mRNA. It is a 'silent' change, meaning that it does not change the encoded amino acid sequence of the JAK3 protein. It affects a nucleotide within the consensus splice site. This variant is present in population databases (rs200269517, gnomAD 0.2%). This variant has not been reported in the literature in individuals affected with JAK3-related conditions. ClinVar contains an entry for this variant (Variation ID: 889117). Algorithms developed to predict the effect of sequence changes on RNA splicing suggest that this variant is not likely to affect RNA splicing. In summary, the available evidence is currently insufficient to determine the role of this variant in disease. Therefore, it has been classified as a Variant of Uncertain Significance.

Illumina Laboratory Services, Illumina
Classification: Uncertain significance for T-B+ severe combined immunodeficiency due to JAK3 deficiency. Last evaluated: 2018-01-13. Review status: criteria provided, single submitter. Criteria: ICSL Variant Classification Criteria 13 December 2019. Collection method: clinical testing. Allele origin: germline.